The following is an entry in ClinVar:

NM_001931.5(DLAT):c.231T>C (p.Leu77=)

Gene: DLAT (dihydrolipoamide S-acetyltransferase; plus strand). Cytogenetic location: 11q23.1.
Variant type: single nucleotide variant.
Coding change: c.231T>C on transcript NM_001931.5 (MANE Select); coding-DNA position 231, T replaced by C.
Protein change: p.Leu77=; no amino-acid change (leucine 77 retained).
Molecular consequence: synonymous variant. On other transcripts: 5 prime UTR variant (1), non-coding transcript variant (1), intron variant (1), missense variant (1).
Genome position (GRCh38, 1-based): chr11:112,025,703, T>C. VCF-style: chr11-112025703-T-C. GRCh37 (hg19) VCF-style: chr11-111896427-T-C.
Other names: c.231T>C, p.Leu77= (NM_001372039.1, NM_001372040.1, NM_001372041.1 and 6 more transcripts); c.-236T>C (NM_001372042.1); c.111+79T>C (NM_001372037.1); c.190T>C, p.Phe64Leu (NM_001372036.1); short protein forms F64L.
Identifiers: ClinVar variation 2642369 (VCV002642369.24), dbSNP rs2498394217, ClinGen allele CA477041272.

ClinVar aggregate classification (germline): Likely benign (1 of 4 stars; one submission).

Allele frequency attached by ClinVar (database versions not stated): gnomAD exomes below 0.00001.
gnomAD v4.1: 1 of 1,612,886 alleles (0.000062%); highest among the groups gnomAD compares: Non-Finnish European, 0.000085%; no homozygotes.

Submission:

CeGaT Center for Human Genetics Tuebingen
Classification: Likely benign. Last evaluated: 2022-08-01. Review status: criteria provided, single submitter. Criteria: CeGaT Center For Human Genetics Tuebingen Variant Classification Criteria Version 2. Collection method: clinical testing. Allele origin: germline. Affected: yes. Observed: 1 variant allele.
Comment: DLAT: PM2:Supporting, BP4, BP7